The following is an entry in ClinVar:

NM_000018.4(ACADVL):c.1814C>G (p.Thr605Ser)

Gene: ACADVL (acyl-CoA dehydrogenase very long chain; plus strand). Cytogenetic location: 17p13.1.
Variant type: single nucleotide variant.
Coding change: c.1814C>G on transcript NM_000018.4 (MANE Select); coding-DNA position 1814, C replaced by G.
Protein change: p.Thr605Ser; replaces threonine 605 with serine.
Molecular consequence: missense variant.
Genome position (GRCh38, 1-based): chr17:7,224,871, C>G. VCF-style: chr17-7224871-C-G. GRCh37 (hg19) VCF-style: chr17-7128190-C-G.
Other names: c.1748C>G, p.Thr583Ser (NM_001033859.3); c.1883C>G, p.Thr628Ser (NM_001270447.2); c.1586C>G, p.Thr529Ser (NM_001270448.2); short protein forms T529S, T583S, T605S, T628S.
Identifiers: ClinVar variation 1716323 (VCV001716323.5), dbSNP rs1361423686, ClinGen allele CA397725947.

ClinVar aggregate classification (germline): Uncertain significance (1 of 4 stars; one submission).

Conditions:
Very long chain acyl-CoA dehydrogenase deficiency (ACADVLD). Also called: VLCAD Deficiency; Very Long-Chain Acyl-Coenzyme A Dehydrogenase Deficiency. Identifiers: Orphanet 26793, MedGen C3887523, MONDO:0008723, OMIM 201475.

Submission:

Labcorp Genetics (formerly Invitae), Labcorp
Classification: Uncertain significance for Very long chain acyl-CoA dehydrogenase deficiency. Last evaluated: 2022-08-13. Review status: criteria provided, single submitter. Criteria: Invitae Variant Classification Sherloc (09022015). Collection method: clinical testing. Allele origin: germline.
Comment: This sequence change replaces threonine, which is neutral and polar, with serine, which is neutral and polar, at codon 605 of the ACADVL protein (p.Thr605Ser). This variant is not present in population databases (gnomAD no frequency). This variant has not been reported in the literature in individuals affected with ACADVL-related conditions. Algorithms developed to predict the effect of missense changes on protein structure and function output the following: SIFT: "Tolerated"; PolyPhen-2: "Benign"; Align-GVGD: "Class C0". The serine amino acid residue is found in multiple mammalian species, which suggests that this missense change does not adversely affect protein function. In summary, the available evidence is currently insufficient to determine the role of this variant in disease. Therefore, it has been classified as a Variant of Uncertain Significance.